The following is an entry in ClinVar:

ClinVar aggregate classification (germline): Conflicting classifications of pathogenicity. Review status: criteria provided, conflicting classifications (1 of 4 stars). 3 submissions from 1 submitter: Uncertain significance (1); Benign (2). Last evaluated 2017-04-27.

Conditions:
Atrial fibrillation, familial, 9 (ATFB9). Identifiers: MedGen C3151431, MONDO:0013513, OMIM 613980.
Short QT syndrome type 3. Identifiers: Orphanet 51083, MedGen C1865018, MONDO:0012314, OMIM 609622.
Andersen Tawil syndrome (LQT7). Also called: ANDERSEN CARDIODYSRHYTHMIC PERIODIC PARALYSIS; LONG QT SYNDROME 7; PERIODIC PARALYSIS, POTASSIUM-SENSITIVE CARDIODYSRHYTHMIC TYPE; Andersen Syndrome; Potassium-sensitive periodic paralysis, ventricular ectopy, and dysmorphic features. Identifiers: Orphanet 37553, MedGen C1563715, MONDO:0008222, OMIM 170390.

Allele frequency attached by ClinVar (database versions not stated): ExAC 0.00039; gnomAD exomes 0.00044 and 0.00061; gnomAD 0.00033 and 0.00034; TOPMed 0.00044; ESP Exome Variant Server 0.00046.

Submissions (3):

Illumina Laboratory Services, Illumina
Classification: Benign for Short QT syndrome type 3. Last evaluated: 2017-04-27. Review status: criteria provided, single submitter. Criteria: ICSL Variant Classification Criteria 13 December 2019. Collection method: clinical testing. Allele origin: germline.
Comment: This variant was observed as part of a predisposition screen in an ostensibly healthy population. A literature search was performed for the gene, cDNA change, and amino acid change (where applicable). No publications were found based on this search. Allele frequency data from public databases was too high to be consistent with this variant causing disease. Therefore, this variant is classified as benign.

Illumina Laboratory Services, Illumina
Classification: Uncertain significance for Atrial fibrillation, familial, 9. Last evaluated: 2017-04-27. Review status: criteria provided, single submitter. Criteria: ICSL Variant Classification Criteria 13 December 2019. Collection method: clinical testing. Allele origin: germline.

Illumina Laboratory Services, Illumina
Classification: Benign for Andersen Tawil syndrome. Last evaluated: 2017-04-27. Review status: criteria provided, single submitter. Criteria: ICSL Variant Classification Criteria 13 December 2019. Collection method: clinical testing. Allele origin: germline.
Comment: the same text as in the submission from Illumina Laboratory Services, Illumina above.

NM_000891.3(KCNJ2):c.*35A>C

Gene: KCNJ2 (potassium inwardly rectifying channel subfamily J member 2; plus strand). Cytogenetic location: 17q24.3.
Variant type: single nucleotide variant.
Coding change: c.*35A>C on transcript NM_000891.3 (MANE Select); 35 bases downstream of the stop codon, A replaced by C.
Molecular consequence: 3 prime UTR variant.
Genome position (GRCh38, 1-based): chr17:70,176,358, A>C. VCF-style: chr17-70176358-A-C. GRCh37 (hg19) VCF-style: chr17-68172499-A-C.
Identifiers: ClinVar variation 889526 (VCV000889526.4), dbSNP rs72552029, ClinGen allele CA8738827.